The following is an entry in ClinVar:

ClinVar aggregate classification (germline): Uncertain significance. Review status: criteria provided, multiple submitters, no conflicts (2 of 4 stars). 2 submissions from 2 submitters: Uncertain significance (2). Last evaluated 2025-10-11.

Conditions:
Hereditary cancer-predisposing syndrome. Also called: Hereditary neoplastic syndrome; Neoplastic Syndromes, Hereditary; Tumor predisposition; Hereditary Cancer Syndrome. Identifiers: Orphanet 140162, MedGen C0027672, MeSH D009386, MONDO:0015356.
Oligodontia-cancer predisposition syndrome. Also called: TOOTH AGENESIS-COLORECTAL CANCER SYNDROME. Identifiers: Orphanet 300576, MedGen C1837750, MONDO:0012075, OMIM 608615. Disease mechanism: loss of function.

Allele frequency attached by ClinVar (database versions not stated): TOPMed 0.00001; gnomAD 0.00006.

Submissions (2):

Labcorp Genetics (formerly Invitae), Labcorp
Classification: Uncertain significance for Oligodontia-cancer predisposition syndrome. Last evaluated: 2025-10-11. Review status: criteria provided, single submitter. Criteria: Invitae Variant Classification Sherloc (09022015). Collection method: clinical testing. Allele origin: germline.
Comment: This sequence change replaces serine, which is neutral and polar, with leucine, which is neutral and non-polar, at codon 553 of the AXIN2 protein (p.Ser553Leu). This variant is present in population databases (no rsID available, gnomAD 0.008%). This variant has not been reported in the literature in individuals affected with AXIN2-related conditions. ClinVar contains an entry for this variant (Variation ID: 533199). Invitae Evidence Modeling of protein sequence and biophysical properties (such as structural, functional, and spatial information, amino acid conservation, physicochemical variation, residue mobility, and thermodynamic stability) indicates that this missense variant is not expected to disrupt AXIN2 protein function with a negative predictive value of 80%. In summary, the available evidence is currently insufficient to determine the role of this variant in disease. Therefore, it has been classified as a Variant of Uncertain Significance.

Ambry Genetics
Classification: Uncertain significance for Hereditary cancer-predisposing syndrome. Last evaluated: 2025-04-07. Review status: criteria provided, single submitter. Criteria: Ambry Variant Classification Scheme 2023. Collection method: clinical testing. Allele origin: germline.
Comment: The p.S553L variant (also known as c.1658C>T), located in coding exon 5 of the AXIN2 gene, results from a C to T substitution at nucleotide position 1658. The serine at codon 553 is replaced by leucine, an amino acid with dissimilar properties. This amino acid position is not well conserved in available vertebrate species. In addition, this alteration is predicted to be tolerated by in silico analysis. Since supporting evidence is limited at this time, the clinical significance of this alteration remains unclear.

NM_004655.4(AXIN2):c.1658C>T (p.Ser553Leu)

Gene: AXIN2 (axin 2; minus strand). Cytogenetic location: 17q24.1.
Variant type: single nucleotide variant.
Coding change: c.1658C>T on transcript NM_004655.4 (MANE Select); coding-DNA position 1658, C replaced by T.
Protein change: p.Ser553Leu; replaces serine 553 with leucine.
Molecular consequence: missense variant.
Genome position (GRCh38, 1-based): chr17:65,537,378, G>A on the plus strand (C>T on the coding strand, the complement: AXIN2 is on the minus strand). VCF-style: chr17-65537378-G-A. GRCh37 (hg19) VCF-style: chr17-63533496-G-A.
Other names: c.1658C>T (LRG_296t1); c.1658C>T, p.Ser553Leu (NM_001363813.1); short protein forms S553L.
Identifiers: ClinVar variation 533199 (VCV000533199.14), dbSNP rs1453965356, ClinGen allele CA400676962.